The following is an entry in ClinVar:

ClinVar aggregate classification (germline): Benign/Likely benign. Review status: criteria provided, multiple submitters, no conflicts (2 of 4 stars). 6 submissions from 6 submitters: Benign (3); Likely benign (3). Last evaluated 2026-04-01.

Conditions:
Pyruvate kinase deficiency of red cells (CNSHA2). Also called: Pyruvate kinase deficiency, Amish type; PK DEFICIENCY; PYRUVATE KINASE DEFICIENCY OF ERYTHROCYTE. Identifiers: Orphanet 766, MedGen C0340968, MONDO:0009950, OMIM 266200.

Allele frequency attached by ClinVar (database versions not stated): gnomAD exomes 0.00221 and 0.00328; gnomAD 0.00289 and 0.00309; TOPMed 0.00336; ExAC 0.00371; ESP Exome Variant Server 0.00415; 1000 Genomes Project 30x 0.00578; 1000 Genomes Project 0.00619.
gnomAD v4.1: 3,711 of 1,613,152 alleles (0.23%); highest among the groups gnomAD compares: South Asian, 1.5%; 38 homozygotes.

Submissions (6):

CeGaT Center for Human Genetics Tuebingen
Classification: Benign. Last evaluated: 2026-04-01. Review status: criteria provided, single submitter. Criteria: CeGaT Center For Human Genetics Tuebingen Variant Classification Criteria Version 2. Collection method: clinical testing. Allele origin: germline. Affected: yes. Observed: 2 variant alleles.
Comment: PKLR: BP4, BP7, BS1, BS2

Labcorp Genetics (formerly Invitae), Labcorp
Classification: Benign. Last evaluated: 2025-12-24. Review status: criteria provided, single submitter. Criteria: Invitae Variant Classification Sherloc (09022015). Collection method: clinical testing. Allele origin: germline.

ARUP Laboratories, Molecular Genetics and Genomics, ARUP Laboratories
Classification: Benign. Last evaluated: 2025-05-23. Review status: criteria provided, single submitter. Criteria: ARUP Molecular Germline Variant Investigation Process 2024. Collection method: clinical testing. Allele origin: germline.

Mayo Clinic Laboratories, Mayo Clinic
Classification: Likely benign. Last evaluated: 2025-03-04. Review status: criteria provided, single submitter. Criteria: ACMG Guidelines, 2015. Collection method: clinical testing. Allele origin: germline. Observed: 17 variant alleles.
Comment: BS2, BP4, BP7

Illumina Laboratory Services, Illumina
Classification: Likely benign for Pyruvate kinase deficiency of red cells. Last evaluated: 2018-01-13. Review status: criteria provided, single submitter. Criteria: ICSL Variant Classification Criteria 13 December 2019. Collection method: clinical testing. Allele origin: germline.
Comment: This variant was observed in the ICSL laboratory as part of a predisposition screen in an ostensibly healthy population. It had not been previously curated by ICSL or reported in the Human Gene Mutation Database (HGMD: prior to June 1st, 2018), and was therefore a candidate for classification through an automated scoring system. Utilizing variant allele frequency, disease prevalence and penetrance estimates, and inheritance mode, an automated score was calculated to assess if this variant is too frequent to cause the disease. Based on the score and internal cut-off values, a variant classified as likely benign is not then subjected to further curation. The score for this variant resulted in a classification of likely benign for this disease.

Breakthrough Genomics
Classification: Likely benign. Review status: criteria provided, single submitter. Criteria: ACMG Guidelines, 2015. Collection method: not provided. Allele origin: germline. Inheritance: Autosomal recessive inheritance. Affected: yes.

NM_000298.6(PKLR):c.181C>T (p.Leu61=)

Gene: PKLR (pyruvate kinase L/R; minus strand). Cytogenetic location: 1q22.
Variant type: single nucleotide variant.
Coding change: c.181C>T on transcript NM_000298.6 (MANE Select); coding-DNA position 181, C replaced by T.
Protein change: p.Leu61=; no amino-acid change (leucine 61 retained).
Molecular consequence: synonymous variant.
Genome position (GRCh38, 1-based): chr1:155,300,200, G>A on the plus strand (C>T on the coding strand, the complement: PKLR is on the minus strand). VCF-style: chr1-155300200-G-A. GRCh37 (hg19) VCF-style: chr1-155269991-G-A.
Other names: p.Leu61=; c.181C>T, p.Leu61= (LRG_1136t1); c.88C>T, p.Leu30= (NM_181871.4).
Identifiers: ClinVar variation 292818 (VCV000292818.40), dbSNP rs8177962, ClinGen allele CA1144431.